The following is an entry in ClinVar:

NM_001271838.2(RSRC1):c.129A>G (p.Lys43=)

Gene: RSRC1 (arginine and serine rich coiled-coil 1; plus strand). Cytogenetic location: 3q25.32.
Variant type: single nucleotide variant.
Coding change: c.129A>G on transcript NM_001271838.2 (MANE Select); coding-DNA position 129, A replaced by G.
Protein change: p.Lys43=; no amino-acid change (lysine 43 retained).
Molecular consequence: synonymous variant.
Genome position (GRCh38, 1-based): chr3:158,122,233, A>G. VCF-style: chr3-158122233-A-G. GRCh37 (hg19) VCF-style: chr3-157840022-A-G.
Other names: c.129A>G, p.Lys43= (NM_001271834.2, NM_016625.4).
Identifiers: ClinVar variation 2654255 (VCV002654255.24), dbSNP rs2473466111, ClinGen allele CA436620978.

ClinVar aggregate classification (germline): Likely benign (1 of 4 stars; one submission).

Allele frequency attached by ClinVar (database versions not stated): gnomAD exomes below 0.00001.
gnomAD v4.1: 2 of 1,605,950 alleles (0.00012%); highest among the groups gnomAD compares: Non-Finnish European, 0.00017%; no homozygotes.

Submission:

CeGaT Center for Human Genetics Tuebingen
Classification: Likely benign. Last evaluated: 2022-09-01. Review status: criteria provided, single submitter. Criteria: CeGaT Center For Human Genetics Tuebingen Variant Classification Criteria Version 2. Collection method: clinical testing. Allele origin: germline. Affected: yes. Observed: 1 variant allele.
Comment: RSRC1: PM2:Supporting, BP4, BP7